The following is an entry in ClinVar:

NM_018406.7(MUC4):c.5879C>G (p.Ser1960Ter)

Gene: MUC4 (mucin 4, cell surface associated). Cytogenetic location: 3q29.
Variant type: single nucleotide variant.
Coding change: c.5879C>G on transcript NM_018406.7 (MANE Select); coding-DNA position 5879, C replaced by G.
Protein change: p.Ser1960Ter; replaces serine 1960 with a stop codon.
Molecular consequence: nonsense. On other transcripts: genic upstream transcript variant (2).
Genome position (GRCh38, 1-based): chr3:195,785,701, G>C on the plus strand (C>G on the coding strand, the complement: MUC4 is on the minus strand). VCF-style: chr3-195785701-G-C. GRCh37 (hg19) VCF-style: chr3-195512572-G-C.
Other names: c.8534C>G, p.Ser2845Ter (NM_001322468.1); c.83-11396C>G (NM_138297.5); c.83-7246C>G (NM_004532.6); short protein forms S1960*, S2845*.
Identifiers: ClinVar variation 403125 (VCV000403125.4), dbSNP rs558165743, ClinGen allele CA16609722.

ClinVar aggregate classification (germline): Uncertain significance (1 of 4 stars; one submission).

Submission:

Laboratory for Molecular Medicine, Mass General Brigham Personalized Medicine
Classification: Uncertain significance. Last evaluated: 2016-03-29. Review status: criteria provided, single submitter. Criteria: LMM Criteria. Collection method: clinical testing. Allele origin: germline.
Comment: Variant identified in a genome or exome case(s) and assessed due to predicted null impact of the variant or pathogenic assertions in the literature or databases. Disclaimer: This variant has not undergone full assessment. The following are preliminary notes: Gene has some connection to cancers ("metastasis-promoting mucin"), but the gene-disease association is not well established. Knockout mouse are actually resistant to colitis-associated rectal cancer.